The following is an entry in ClinVar:

ClinVar aggregate classification (germline): Likely benign (1 of 4 stars; one submission).

Submission:

CeGaT Center for Human Genetics Tuebingen
Classification: Likely benign. Last evaluated: 2026-08-01. Review status: criteria provided, single submitter. Criteria: CeGaT Center For Human Genetics Tuebingen Variant Classification Criteria Version 2. Collection method: clinical testing. Allele origin: germline. Affected: yes. Observed: 4 variant alleles.
Comment: BTBD17: PM2:Supporting, BP4, BP7

NM_001080466.2(BTBD17):c.765A>C (p.Ile255=)

Gene: BTBD17 (BTB domain containing 17; minus strand). Cytogenetic location: 17q25.1.
Variant type: single nucleotide variant.
Coding change: c.765A>C on transcript NM_001080466.2 (MANE Select); coding-DNA position 765, A replaced by C.
Protein change: p.Ile255=; no amino-acid change (isoleucine 255 retained).
Molecular consequence: synonymous variant.
Genome position (GRCh38, 1-based): chr17:74,357,329, T>G on the plus strand (A>C on the coding strand, the complement: BTBD17 is on the minus strand). VCF-style: chr17-74357329-T-G. GRCh37 (hg19) VCF-style: chr17-72353468-T-G.
Identifiers: ClinVar variation 3250797 (VCV003250797.18), dbSNP rs2054902503.